The following is an entry in ClinVar:

ClinVar aggregate classification (germline): Uncertain significance (1 of 4 stars; one submission).

Conditions:
Severe X-linked myotubular myopathy (CNMX). Also called: MYOTUBULAR MYOPATHY 1; X-linked centronuclear myopathy; Myotubular myopathy, X-linked. Identifiers: Orphanet 596, MedGen C0410203, MONDO:0010683, OMIM 310400.

Submission:

Labcorp Genetics (formerly Invitae), Labcorp
Classification: Uncertain significance for Severe X-linked myotubular myopathy. Last evaluated: 2025-06-15. Review status: criteria provided, single submitter. Criteria: Invitae Variant Classification Sherloc (09022015). Collection method: clinical testing. Allele origin: germline.
Comment: This sequence change replaces aspartic acid, which is acidic and polar, with glycine, which is neutral and non-polar, at codon 394 of the MTM1 protein (p.Asp394Gly). This variant is not present in population databases (gnomAD no frequency). This missense change has been observed in individual(s) with X-linked myotubular myopathy (PMID: 33062893). Invitae Evidence Modeling of protein sequence and biophysical properties (such as structural, functional, and spatial information, amino acid conservation, physicochemical variation, residue mobility, and thermodynamic stability) indicates that this missense variant is expected to disrupt MTM1 protein function with a positive predictive value of 95%. In summary, the available evidence is currently insufficient to determine the role of this variant in disease. Therefore, it has been classified as a Variant of Uncertain Significance.

Literature cited by the submitters: PubMed 33062893.

NM_000252.3(MTM1):c.1181A>G (p.Asp394Gly)

Gene: MTM1 (myotubularin 1; plus strand). Cytogenetic location: Xq28.
Variant type: single nucleotide variant.
Coding change: c.1181A>G on transcript NM_000252.3 (MANE Select); coding-DNA position 1181, A replaced by G.
Protein change: p.Asp394Gly; replaces aspartic acid 394 with glycine.
Molecular consequence: missense variant.
Genome position (GRCh38, 1-based): chrX:150,657,948, A>G. VCF-style: chrX-150657948-A-G. GRCh37 (hg19) VCF-style: chrX-149826421-A-G.
Other names: c.1181A>G, p.Asp394Gly (NM_001376906.1, NM_001376908.1); c.1070A>G, p.Asp357Gly (NM_001376907.1); short protein forms D394G, D357G.
Identifiers: ClinVar variation 4763918 (VCV004763918.1).